The following is an entry in ClinVar:

NM_000492.4(CFTR):c.960A>T (p.Leu320Phe)

Gene: CFTR (CF transmembrane conductance regulator; plus strand). Cytogenetic location: 7q31.2.
Variant type: single nucleotide variant.
Coding change: c.960A>T on transcript NM_000492.4 (MANE Select); coding-DNA position 960, A replaced by T.
Protein change: p.Leu320Phe; replaces leucine 320 with phenylalanine.
Molecular consequence: missense variant.
Genome position (GRCh38, 1-based): chr7:117,540,190, A>T. VCF-style: chr7-117540190-A-T. GRCh37 (hg19) VCF-style: chr7-117180244-A-T.
Other names: short protein forms L320F.
Identifiers: ClinVar variation 54094 (VCV000054094.20), dbSNP rs56093012, ClinGen allele CA327703.

ClinVar aggregate classification (germline): Uncertain significance. Review status: criteria provided, multiple submitters, no conflicts (2 of 4 stars). 10 submissions from 10 submitters: Uncertain significance (9). 1 of the submissions does not count toward it. Last evaluated 2025-08-25.

Conditions:
CFTR-related disorder (CFTR-RD). Also called: CFTR-related condition; CFTR-related disorders. Identifiers: MedGen C5924204, MONDO:7770004.
Cystic fibrosis (CF). Also called: MUCOVISCIDOSIS. Identifiers: Orphanet 586, MedGen C0010674, MONDO:0009061, OMIM 219700. Disease mechanism: loss of function.

Allele frequency attached by ClinVar (database versions not stated): gnomAD exomes below 0.00001; ExAC 0.00001; gnomAD 0.00001; TOPMed 0.00002.
gnomAD v4.1: 14 of 1,613,918 alleles (0.00087%); highest among the groups gnomAD compares: South Asian, 0.0011%; no homozygotes.

Submissions (10):

Institute of Human Genetics, University of Leipzig Medical Center
Classification: Uncertain significance for Cystic fibrosis. Last evaluated: 2025-08-25. Review status: criteria provided, single submitter. Criteria: ACMG Guidelines, 2015. Collection method: clinical testing. Allele origin: unknown. Inheritance: Autosomal dominant inheritance. Affected: yes.
Comment: Criteria applied: PM2_SUP

ARUP Laboratories, Molecular Genetics and Genomics, ARUP Laboratories
Classification: Uncertain significance. Last evaluated: 2025-03-21. Review status: criteria provided, single submitter. Criteria: ARUP Molecular Germline Variant Investigation Process 2024. Collection method: clinical testing. Allele origin: germline.
Comment: The CFTR c.960A>T; p.Leu320Phe variant (rs56093012, ClinVar Variation ID 54094) is reported in the literature in one individual with infertility (Morea 2005) and in a gene-specific database in an individual with suspected cystic fibrosis (Sick Kids CFTR database). This variant is only observed on three alleles in the Genome Aggregation Database (v2.1.1), indicating it is not a common polymorphism. Computational analyses are uncertain whether this variant is neutral or deleterious (REVEL: 0.567). Based on the limited information, the clinical significance of the p.Leu320Phe variant is uncertain at this time. References: Link to Sick Kids CFTR database: Morea A et al. Gender-sensitive association of CFTR gene mutations and 5T allele emerging from a large survey on infertility. Mol Hum Reprod. 2005 Aug;11(8):607-14. Epub 2005 Aug 26. PMID: 16126774.

Ambry Genetics
Classification: Uncertain significance for Cystic fibrosis. Last evaluated: 2024-03-25. Review status: criteria provided, single submitter. Criteria: Ambry Variant Classification Scheme 2023. Collection method: clinical testing. Allele origin: germline.
Comment: The p.L320F variant (also known as c.960A>T), located in coding exon 8 of the CFTR gene, results from an A to T substitution at nucleotide position 960. The leucine at codon 320 is replaced by phenylalanine, an amino acid with highly similar properties. This amino acid position is not well conserved in available vertebrate species. In addition, this alteration is predicted to be deleterious by in silico analysis. Based on the available evidence, the clinical significance of this alteration remains unclear.

Blueprint Genetics
Classification: Uncertain significance. Last evaluated: 2024-03-04. Review status: criteria provided, single submitter. Criteria: ACMG Guidelines, 2015. Collection method: clinical testing. Allele origin: germline.

Women's Health and Genetics/Laboratory Corporation of America, LabCorp
Classification: Uncertain significance. Last evaluated: 2023-07-17. Review status: criteria provided, single submitter. Criteria: LabCorp Variant Classification Summary - May 2015. Collection method: clinical testing. Allele origin: germline.
Comment: Variant summary: CFTR c.960A>T (p.Leu320Phe) results in a non-conservative amino acid change located in the ABC transporter type 1, transmembrane domain (IPR011527) of the encoded protein sequence. Three of five in-silico tools predict a benign effect of the variant on protein function. The variant allele was found at a frequency of 4e-06 in 251280 control chromosomes. The available data on variant occurrences in the general population are insufficient to allow any conclusion about variant significance. To our knowledge, no occurrence of c.960A>T in individuals affected with Cystic Fibrosis and no experimental evidence demonstrating its impact on protein function have been reported. However, it has been observed in the literature in unaffected carriers. The following publications have been ascertained in the context of this evaluation (PMID: 16126774, 26900683). Six submitters have cited clinical-significance assessments for this variant to ClinVar after 2014. All submitters classified the variant as uncertain significance. Based on the evidence outlined above, the variant was classified as uncertain significance.

Genome-Nilou Lab
Classification: Uncertain significance for Cystic fibrosis. Last evaluated: 2021-09-05. Review status: criteria provided, single submitter. Criteria: ACMG Guidelines, 2015. Collection method: clinical testing. Allele origin: germline. Affected: no.

Labcorp Genetics (formerly Invitae), Labcorp
Classification: Uncertain significance for Cystic fibrosis. Last evaluated: 2021-08-13. Review status: criteria provided, single submitter. Criteria: Invitae Variant Classification Sherloc (09022015). Collection method: clinical testing. Allele origin: germline.
Comment: This sequence change replaces leucine with phenylalanine at codon 320 of the CFTR protein (p.Leu320Phe). The leucine residue is moderately conserved and there is a small physicochemical difference between leucine and phenylalanine. This variant is present in population databases (rs56093012, ExAC 0.002%). This variant has not been reported in the literature in individuals affected with CFTR-related conditions. Algorithms developed to predict the effect of missense changes on protein structure and function output the following: SIFT: "Tolerated"; PolyPhen-2: "Benign"; Align-GVGD: "Class C0". The phenylalanine amino acid residue is found in multiple mammalian species, which suggests that this missense change does not adversely affect protein function. In summary, the available evidence is currently insufficient to determine the role of this variant in disease. Therefore, it has been classified as a Variant of Uncertain Significance.

Mendelics
Classification: Uncertain significance for Cystic fibrosis. Last evaluated: 2018-11-05. Review status: criteria provided, single submitter. Criteria: Mendelics Assertion Criteria 2017. Collection method: clinical testing. Allele origin: unknown. Affected: yes.

Illumina Laboratory Services, Illumina
Classification: Uncertain significance for CFTR-Related Disorders. Last evaluated: 2017-08-21. Review status: criteria provided, single submitter. Criteria: ICSL Variant Classification Criteria 13 December 2019. Collection method: clinical testing. Allele origin: germline.
Comment: This variant was observed as part of a predisposition screen in an ostensibly healthy population. A literature search was performed for the gene, cDNA change, and amino acid change (where applicable). Publications were found based on this search. However, the evidence from the literature, in combination with allele frequency data from public databases where available, was not sufficient to rule this variant in or out of causing disease. Therefore, this variant is classified as a variant of unknown significance.

Natera, Inc.
Classification: Uncertain significance for Cystic Fibrosis. Last evaluated: 2020-09-16. Review status: no assertion criteria provided. Collection method: clinical testing. Allele origin: germline. Not counted in ClinVar's aggregate classification.

Literature cited by the submitters: PubMed 16126774 (cited by 3 submitters); PubMed 26900683 (cited by 3 submitters).